The following is an entry in ClinVar:

ClinVar aggregate classification (germline): Uncertain significance (1 of 4 stars; one submission).

Submission:

Mayo Clinic Laboratories, Mayo Clinic
Classification: Uncertain significance. Last evaluated: 2025-07-23. Review status: criteria provided, single submitter. Criteria: ACMG Guidelines, 2015. Collection method: clinical testing. Allele origin: germline. Observed: 1 variant allele.
Comment: BP4_moderate, PM2_supporting

NM_015512.5(DNAH1):c.4976A>G (p.Gln1659Arg)

Gene: DNAH1 (dynein axonemal heavy chain 1; plus strand). Cytogenetic location: 3p21.1.
Variant type: single nucleotide variant.
Coding change: c.4976A>G on transcript NM_015512.5 (MANE Select); coding-DNA position 4976, A replaced by G.
Protein change: p.Gln1659Arg; replaces glutamine 1659 with arginine.
Molecular consequence: missense variant.
Genome position (GRCh38, 1-based): chr3:52,361,762, A>G. VCF-style: chr3-52361762-A-G. GRCh37 (hg19) VCF-style: chr3-52395778-A-G.
Other names: p.Gln1659Arg; short protein forms Q1659R.
Identifiers: ClinVar variation 4540885 (VCV004540885.1).